The following is an entry in ClinVar:

ClinVar aggregate classification (germline): Uncertain significance (1 of 4 stars; one submission).

gnomAD v4.1: 10 of 1,613,554 alleles (0.00062%); highest among the groups gnomAD compares: Non-Finnish European, 0.00085%; no homozygotes.

Submission:

Labcorp Genetics (formerly Invitae), Labcorp
Classification: Uncertain significance. Last evaluated: 2025-11-25. Review status: criteria provided, single submitter. Criteria: Invitae Variant Classification Sherloc (09022015). Collection method: clinical testing. Allele origin: germline.
Comment: This sequence change replaces phenylalanine, which is neutral and non-polar, with leucine, which is neutral and non-polar, at codon 97 of the PCGF2 protein (p.Phe97Leu). This variant is present in population databases (rs757705562, gnomAD 0.002%). This variant has not been reported in the literature in individuals affected with PCGF2-related conditions. Invitae Evidence Modeling of protein sequence and biophysical properties (such as structural, functional, and spatial information, amino acid conservation, physicochemical variation, residue mobility, and thermodynamic stability) indicates that this missense variant is not expected to disrupt PCGF2 protein function with a negative predictive value of 80%. In summary, the available evidence is currently insufficient to determine the role of this variant in disease. Therefore, it has been classified as a Variant of Uncertain Significance.

NM_007144.3(PCGF2):c.291C>G (p.Phe97Leu)

Gene: PCGF2 (polycomb group ring finger 2; minus strand). Cytogenetic location: 17q12.
Variant type: single nucleotide variant.
Coding change: c.291C>G on transcript NM_007144.3 (MANE Select); coding-DNA position 291, C replaced by G.
Protein change: p.Phe97Leu; replaces phenylalanine 97 with leucine.
Molecular consequence: missense variant.
Genome position (GRCh38, 1-based): chr17:38,739,093, G>C on the plus strand (C>G on the coding strand, the complement: PCGF2 is on the minus strand). VCF-style: chr17-38739093-G-C. GRCh37 (hg19) VCF-style: chr17-36895346-G-C.
Other names: c.291C>G, p.Phe97Leu (NM_001369614.1, NM_001369615.1); short protein forms F97L.
Identifiers: ClinVar variation 4779336 (VCV004779336.1).